The following is an entry in ClinVar:

ClinVar aggregate classification (germline): Uncertain significance. Review status: criteria provided, multiple submitters, no conflicts (2 of 4 stars). 2 submissions from 2 submitters: Uncertain significance (2). Last evaluated 2026-08-06.

Conditions:
Neurodevelopmental disorder with dysmorphic facies and distal skeletal anomalies. Identifiers: MedGen C5231448, MONDO:0032855, OMIM 618659.

gnomAD v4.1: 1 of 1,611,056 alleles (0.000062%); highest among the groups gnomAD compares: African/African-American, 0.0013%; no homozygotes.

Submissions (2):

OLLIN Analises Genomicas, OLLIN
Classification: Uncertain significance for Neurodevelopmental disorder with dysmorphic facies and distal skeletal anomalies. Last evaluated: 2026-08-06. Review status: criteria provided, single submitter. Criteria: ACMG Guidelines 2015 PMID 25741868. Collection method: clinical testing. Allele origin: germline. Inheritance: Autosomal dominant inheritance.
Comment: This missense variant, located in exon 16 (of 25), has been reported in ClinVar (accession VCV003684287.2) and in gnomAD with an allele frequency of 0.000062%. However, to our knowledge, it has not been reported in the scientific literature. In silico analysis predicts that this variant has a tolerated effect. According to the currently available evidence, this variant has been classified as uncertain significance (PM2_P, BP4).

Labcorp Genetics (formerly Invitae), Labcorp
Classification: Uncertain significance. Last evaluated: 2025-01-22. Review status: criteria provided, single submitter. Criteria: Invitae Variant Classification Sherloc (09022015). Collection method: clinical testing. Allele origin: germline.
Comment: This sequence change replaces leucine, which is neutral and non-polar, with valine, which is neutral and non-polar, at codon 562 of the ZMIZ1 protein (p.Leu562Val). This variant is present in population databases (no rsID available, gnomAD 0.01%). This variant has not been reported in the literature in individuals affected with ZMIZ1-related conditions. Invitae Evidence Modeling of protein sequence and biophysical properties (such as structural, functional, and spatial information, amino acid conservation, physicochemical variation, residue mobility, and thermodynamic stability) has been performed for this missense variant. However, the output from this modeling did not meet the statistical confidence thresholds required to predict the impact of this variant on ZMIZ1 protein function. In summary, the available evidence is currently insufficient to determine the role of this variant in disease. Therefore, it has been classified as a Variant of Uncertain Significance.

NM_020338.4(ZMIZ1):c.1684C>G (p.Leu562Val)

Gene: ZMIZ1 (zinc finger MIZ-type containing 1; plus strand). Cytogenetic location: 10q22.3.
Variant type: single nucleotide variant.
Coding change: c.1684C>G on transcript NM_020338.4 (MANE Select); coding-DNA position 1684, C replaced by G.
Protein change: p.Leu562Val; replaces leucine 562 with valine.
Molecular consequence: missense variant.
Genome position (GRCh38, 1-based): chr10:79,299,067, C>G. VCF-style: chr10-79299067-C-G. GRCh37 (hg19) VCF-style: chr10-81058824-C-G.
Other names: short protein forms L562V.
Identifiers: ClinVar variation 3684287 (VCV003684287.3).